The following is an entry in ClinVar:

NM_032737.4(LMNB2):c.719G>A (p.Arg240His)

Gene: LMNB2 (lamin B2; minus strand). Cytogenetic location: 19p13.3.
Variant type: single nucleotide variant.
Coding change: c.719G>A on transcript NM_032737.4 (MANE Select); coding-DNA position 719, G replaced by A.
Protein change: p.Arg240His; replaces arginine 240 with histidine.
Molecular consequence: missense variant.
Genome position (GRCh38, 1-based): chr19:2,435,137, C>T on the plus strand (G>A on the coding strand, the complement: LMNB2 is on the minus strand). VCF-style: chr19-2435137-C-T. GRCh37 (hg19) VCF-style: chr19-2435135-C-T.
Other names: c.659G>A (NM_032737.2); short protein forms R240H.
Identifiers: ClinVar variation 2925479 (VCV002925479.4), dbSNP rs779875102, ClinGen allele CA9067779.

ClinVar aggregate classification (germline): Uncertain significance. Review status: criteria provided, multiple submitters, no conflicts (2 of 4 stars). 2 submissions from 2 submitters: Uncertain significance (2). Last evaluated 2025-08-27.

Conditions:
Lipodystrophy, partial, acquired, susceptibility to (APLD). Also called: APLD, SUSCEPTIBILITY TO. Identifiers: MedGen C3887501, MONDO:0100476, OMIM 608709.
Progressive myoclonic epilepsy type 9. Identifiers: Orphanet 457265, MedGen C4225289, MONDO:0014685, OMIM 616540.

Allele frequency attached by ClinVar (database versions not stated): ExAC 0.00001; gnomAD 0.00001; TOPMed 0.00002.
gnomAD v4.1: 23 of 1,605,732 alleles (0.0014%); highest among the groups gnomAD compares: East Asian, 0.0045%; no homozygotes.

Submissions (2):

Ambry Genetics
Classification: Uncertain significance. Last evaluated: 2025-08-27. Review status: criteria provided, single submitter. Criteria: Ambry Variant Classification Scheme 2023. Collection method: clinical testing. Allele origin: germline.

Labcorp Genetics (formerly Invitae), Labcorp
Classification: Uncertain significance for Progressive myoclonic epilepsy type 9; Lipodystrophy, partial, acquired, susceptibility to. Last evaluated: 2025-02-24. Review status: criteria provided, single submitter. Criteria: Invitae Variant Classification Sherloc (09022015). Collection method: clinical testing. Allele origin: germline.
Comment: This sequence change replaces arginine, which is basic and polar, with histidine, which is basic and polar, at codon 240 of the LMNB2 protein (p.Arg240His). The frequency data for this variant in the population databases is considered unreliable, as metrics indicate poor data quality at this position in the gnomAD database. This variant has not been reported in the literature in individuals affected with LMNB2-related conditions. ClinVar contains an entry for this variant (Variation ID: 2925479). Invitae Evidence Modeling of protein sequence and biophysical properties (such as structural, functional, and spatial information, amino acid conservation, physicochemical variation, residue mobility, and thermodynamic stability) indicates that this missense variant is not expected to disrupt LMNB2 protein function with a negative predictive value of 80%. In summary, the available evidence is currently insufficient to determine the role of this variant in disease. Therefore, it has been classified as a Variant of Uncertain Significance.